The following is an entry in ClinVar:

ClinVar aggregate classification (germline): Uncertain significance (1 of 4 stars; one submission).

Conditions:
Hypertrophic cardiomyopathy. Also called: HYPERTROPHIC MYOCARDIOPATHY. Identifiers: Orphanet 217569, MedGen C0007194, MeSH D002312, MONDO:0005045, HP:0001639.

gnomAD v4.1: 6 of 1,605,398 alleles (0.00037%); highest among the groups gnomAD compares: Non-Finnish European, 0.00034%; no homozygotes.

Submission:

Labcorp Genetics (formerly Invitae), Labcorp
Classification: Uncertain significance for Hypertrophic cardiomyopathy. Last evaluated: 2025-10-19. Review status: criteria provided, single submitter. Criteria: Invitae Variant Classification Sherloc (09022015). Collection method: clinical testing. Allele origin: germline.
Comment: This sequence change replaces threonine, which is neutral and polar, with serine, which is neutral and polar, at codon 1412 of the MYOM1 protein (p.Thr1412Ser). This variant is not present in population databases (gnomAD no frequency). This variant has not been reported in the literature in individuals affected with MYOM1-related conditions. Invitae Evidence Modeling of protein sequence and biophysical properties (such as structural, functional, and spatial information, amino acid conservation, physicochemical variation, residue mobility, and thermodynamic stability) has been performed for this missense variant. However, the output from this modeling did not meet the statistical confidence thresholds required to predict the impact of this variant on MYOM1 protein function. In summary, the available evidence is currently insufficient to determine the role of this variant in disease. Therefore, it has been classified as a Variant of Uncertain Significance.

NM_003803.4(MYOM1):c.4234A>T (p.Thr1412Ser)

Gene: MYOM1 (myomesin 1; minus strand). Cytogenetic location: 18p11.31.
Variant type: single nucleotide variant.
Coding change: c.4234A>T on transcript NM_003803.4 (MANE Select); coding-DNA position 4234, A replaced by T.
Protein change: p.Thr1412Ser; replaces threonine 1412 with serine.
Molecular consequence: missense variant.
Genome position (GRCh38, 1-based): chr18:3,086,055, T>A on the plus strand (A>T on the coding strand, the complement: MYOM1 is on the minus strand). VCF-style: chr18-3086055-T-A. GRCh37 (hg19) VCF-style: chr18-3086053-T-A.
Other names: c.3946A>T, p.Thr1316Ser (NM_019856.2); short protein forms T1316S, T1412S.
Identifiers: ClinVar variation 4699513 (VCV004699513.1).